The following is an entry in ClinVar:

ClinVar aggregate classification (germline): Likely benign. Review status: criteria provided, multiple submitters, no conflicts (2 of 4 stars). 3 submissions from 3 submitters: Likely benign (2). 1 of the submissions does not count toward it. Last evaluated 2025-12-15.

Conditions:
MYO5B-related disorder. Also called: MYO5B-related condition.

Allele frequency attached by ClinVar (database versions not stated): TOPMed 0.00002; gnomAD 0.00004; gnomAD exomes 0.00006; ExAC 0.00007; 1000 Genomes Project 30x 0.00016; 1000 Genomes Project 0.00020.
gnomAD v4.1: 140 of 1,614,128 alleles (0.0087%); highest among the groups gnomAD compares: Middle Eastern, 0.12%; no homozygotes.

Submissions (3):

Labcorp Genetics (formerly Invitae), Labcorp
Classification: Likely benign. Last evaluated: 2025-12-15. Review status: criteria provided, single submitter. Criteria: Invitae Variant Classification Sherloc (09022015). Collection method: clinical testing. Allele origin: germline.

Breakthrough Genomics
Classification: Likely benign. Review status: criteria provided, single submitter. Criteria: ACMG Guidelines, 2015. Collection method: not provided. Allele origin: germline. Inheritance: Autosomal recessive inheritance. Affected: yes.

PreventionGenetics, part of Exact Sciences
Classification: Likely benign for MYO5B-related condition. Last evaluated: 2024-07-19. Review status: no assertion criteria provided. Collection method: clinical testing. Allele origin: germline. Not counted in ClinVar's aggregate classification.
Comment: This variant is classified as likely benign based on ACMG/AMP sequence variant interpretation guidelines (Richards et al. 2015 PMID: 25741868, with internal and published modifications).

NM_001080467.3(MYO5B):c.1830G>A (p.Ser610=)

Gene: MYO5B (myosin VB; minus strand). Cytogenetic location: 18q21.1.
Variant type: single nucleotide variant.
Coding change: c.1830G>A on transcript NM_001080467.3 (MANE Select); coding-DNA position 1830, G replaced by A.
Protein change: p.Ser610=; no amino-acid change (serine 610 retained).
Molecular consequence: synonymous variant.
Genome position (GRCh38, 1-based): chr18:49,937,320, C>T on the plus strand (G>A on the coding strand, the complement: MYO5B is on the minus strand). VCF-style: chr18-49937320-C-T. GRCh37 (hg19) VCF-style: chr18-47463690-C-T.
Other names: c.1830G>A (NM_001080467.2).
Identifiers: ClinVar variation 1590598 (VCV001590598.12), dbSNP rs533990456, ClinGen allele CA8961359.